The following is an entry in ClinVar:

ClinVar aggregate classification (germline): Likely benign. Review status: criteria provided, multiple submitters, no conflicts (2 of 4 stars). 2 submissions from 2 submitters: Likely benign (2). Last evaluated 2023-12-09.

Allele frequency attached by ClinVar (database versions not stated): ExAC 0.00001; gnomAD exomes 0.00001.

Submissions (2):

Labcorp Genetics (formerly Invitae), Labcorp
Classification: Likely benign. Last evaluated: 2023-12-09. Review status: criteria provided, single submitter. Criteria: Invitae Variant Classification Sherloc (09022015). Collection method: clinical testing. Allele origin: germline.

CeGaT Center for Human Genetics Tuebingen
Classification: Likely benign. Last evaluated: 2023-07-01. Review status: criteria provided, single submitter. Criteria: CeGaT Center For Human Genetics Tuebingen Variant Classification Criteria Version 2. Collection method: clinical testing. Allele origin: germline. Affected: yes. Observed: 1 variant allele.
Comment: MPV17: BP4, BP7

NM_002437.5(MPV17):c.9C>G (p.Leu3=)

Genes: MPV17 (mitochondrial inner membrane protein MPV17; minus strand), LOC129933372 (ATAC-STARR-seq lymphoblastoid active region 15495; plus strand). Cytogenetic location: 2p23.3.
Variant type: single nucleotide variant.
Coding change: c.9C>G on transcript NM_002437.5 (MANE Select); coding-DNA position 9, C replaced by G.
Protein change: p.Leu3=; no amino-acid change (leucine 3 retained).
Molecular consequence: synonymous variant.
Genome position (GRCh38, 1-based): chr2:27,322,509, G>C on the plus strand (C>G on the coding strand, the complement: MPV17 is on the minus strand). VCF-style: chr2-27322509-G-C. GRCh37 (hg19) VCF-style: chr2-27545376-G-C.
Identifiers: ClinVar variation 1112659 (VCV001112659.33), dbSNP rs749825582, ClinGen allele CA1575727.